The following is an entry in ClinVar:

ClinVar aggregate classification (germline): Uncertain significance (1 of 4 stars; one submission).

Conditions:
Charcot-Marie-Tooth disease type 4. Also called: Charcot-Marie-Tooth disease, type IV; Charcot-Marie-Tooth, Type 4. Identifiers: Orphanet 64749, MedGen C4082197, MONDO:0018995.

Submission:

Labcorp Genetics (formerly Invitae), Labcorp
Classification: Uncertain significance for Charcot-Marie-Tooth disease type 4. Last evaluated: 2022-07-06. Review status: criteria provided, single submitter. Criteria: Invitae Variant Classification Sherloc (09022015). Collection method: clinical testing. Allele origin: germline.
Comment: In summary, the available evidence is currently insufficient to determine the role of this variant in disease. Therefore, it has been classified as a Variant of Uncertain Significance. This variant disrupts the C-terminus of the PRX protein. Other variant(s) that disrupt this region (p.Glu1235*, p.Glu1322Glyfs*3) have been observed in individuals with PRX-related conditions (PMID: 24078732, 29858556). This suggests that this may be a clinically significant region of the protein. This variant has not been reported in the literature in individuals affected with PRX-related conditions. This variant is not present in population databases (gnomAD no frequency). This sequence change creates a premature translational stop signal (p.Val1210Cysfs*3) in the PRX gene. While this is not anticipated to result in nonsense mediated decay, it is expected to disrupt the last 252 amino acid(s) of the PRX protein.

Literature cited by the submitters: PubMed 24078732; PubMed 29858556.

NM_181882.3(PRX):c.3626dup (p.Val1210fs)

Gene: PRX (periaxin; minus strand). Cytogenetic location: 19q13.2.
Variant type: Duplication.
Coding change: c.3626dup on transcript NM_181882.3 (MANE Select); coding-DNA position 3626, one base duplicated (G; older notation c.3626dupG).
Protein change: p.Val1210fs; shifts the reading frame from valine 1210.
Molecular consequence: frameshift variant. On other transcripts: 3 prime UTR variant (1).
Genome position (GRCh38, 1-based): chr19:40,394,726, C duplicated on the plus strand (G on the coding strand, the reverse complement: PRX is on the minus strand); the first of 3 consecutive C bases (chr19:40,394,726-40,394,728); duplicating any one gives the same sequence. VCF-style (leftmost placement, unchanged base first): chr19-40394725-A-AC. GRCh37 (hg19) VCF-style: chr19-40900632-A-AC.
Other names: c.3909dup, p.Val1305Cysfs (NM_001411127.1); c.*3831dup (NM_020956.2); short protein forms V1210fs.
Identifiers: ClinVar variation 2074153 (VCV002074153.4), dbSNP rs2514799222, ClinGen allele CA2580097263.
Genomic context (GRCh38, chr19:40,394,725, plus strand): 5'-TCGGCTTAGCCCCACGTCCAGCTCAAGCTGGGGCACTGTCACGGTGGGCATCTTAAAGAC[A>AC]CCCTCACCCACCAGCAGCTCACCACCTGCAACCTGGGCTCCAGGCAGAGACAGGGTCACC-3'